The following is an entry in ClinVar:

ClinVar aggregate classification (germline): Uncertain significance (1 of 4 stars; one submission).

Submission:

GeneDx
Classification: Uncertain significance. Last evaluated: 2026-02-23. Review status: criteria provided, single submitter. Criteria: GeneDx Variant Classification Process June 2021. Collection method: clinical testing. Allele origin: germline.
Comment: Not observed at significant frequency in large population cohorts (gnomAD); In silico analysis supports that this missense variant has a deleterious effect on protein structure/function; Has not been previously published as pathogenic or benign to our knowledge

NM_001127222.2(CACNA1A):c.4420G>A (p.Glu1474Lys)

Gene: CACNA1A (calcium voltage-gated channel subunit alpha1 A; minus strand). Cytogenetic location: 19p13.13.
Variant type: single nucleotide variant.
Coding change: c.4420G>A on transcript NM_001127222.2 (MANE Select); coding-DNA position 4420, G replaced by A.
Protein change: p.Glu1474Lys; replaces glutamic acid 1474 with lysine.
Molecular consequence: missense variant.
Genome position (GRCh38, 1-based): chr19:13,257,520, C>T on the plus strand (G>A on the coding strand, the complement: CACNA1A is on the minus strand). VCF-style: chr19-13257520-C-T. GRCh37 (hg19) VCF-style: chr19-13368334-C-T.
Other names: c.4432G>A, p.Glu1478Lys (NM_000068.4, NM_023035.3); c.4423G>A, p.Glu1475Lys (NM_001127221.2, NM_001174080.2); short protein forms E1474K, E1478K, E1475K.
Identifiers: ClinVar variation 5010007 (VCV005010007.1).
Genomic context (GRCh38, chr19:13,257,520, plus strand): 5'-AGTAGACGACGTAGAAAATGGACATCTCCATGCGGTACCCGGGGCTGGGGCCCTGGTTCT[C>T]AAAGGTGGCGTCCACCGAATGCTTGAGGACCCTGCAAGGAATGGGGCAGGGAGAGGGAAG-3'
Protein context (NP_001120694.1, residues 1464-1484): VLKHSVDATF[Glu1474Lys]NQGPSPGYRM